The following is an entry in ClinVar:

NM_144997.7(FLCN):c.214A>T (p.Ser72Cys)

Gene: FLCN (folliculin; minus strand). Cytogenetic location: 17p11.2.
Variant type: single nucleotide variant.
Coding change: c.214A>T on transcript NM_144997.7 (MANE Select); coding-DNA position 214, A replaced by T.
Protein change: p.Ser72Cys; replaces serine 72 with cysteine.
Molecular consequence: missense variant.
Genome position (GRCh38, 1-based): chr17:17,227,924, T>A on the plus strand (A>T on the coding strand, the complement: FLCN is on the minus strand). VCF-style: chr17-17227924-T-A. GRCh37 (hg19) VCF-style: chr17-17131238-T-A.
Other names: c.214A>T, p.Ser72Cys (NM_001353230.2, NM_001353231.2, NM_144606.7 and 1 more transcripts); short protein forms S72C.
Identifiers: ClinVar variation 4257939 (VCV004257939.1).

ClinVar aggregate classification (germline): Uncertain significance (1 of 4 stars; one submission).

Conditions:
Hereditary cancer-predisposing syndrome. Also called: Hereditary Cancer Syndrome; Hereditary neoplastic syndrome; Neoplastic Syndromes, Hereditary; Tumor predisposition. Identifiers: Orphanet 140162, MedGen C0027672, MeSH D009386, MONDO:0015356.

Submission:

Ambry Genetics
Classification: Uncertain significance for Hereditary cancer-predisposing syndrome. Last evaluated: 2025-08-12. Review status: criteria provided, single submitter. Criteria: Ambry Variant Classification Scheme 2023. Collection method: clinical testing. Allele origin: germline.
Comment: The p.S72C variant (also known as c.214A>T), located in coding exon 1 of the FLCN gene, results from an A to T substitution at nucleotide position 214. The serine at codon 72 is replaced by cysteine, an amino acid with dissimilar properties. This amino acid position is conserved. In addition, the in silico prediction for this alteration is inconclusive. Based on the available evidence, the clinical significance of this variant remains unclear.